The following is an entry in ClinVar:

ClinVar aggregate classification (germline): Uncertain significance (1 of 4 stars; one submission).

Conditions:
Duchenne muscular dystrophy (DMD). Also called: MUSCULAR DYSTROPHY, PSEUDOHYPERTROPHIC PROGRESSIVE, DUCHENNE TYPE; Duchenne Muscular Dystrophy (DMD). Identifiers: Orphanet 98896, MedGen C0013264, MONDO:0010679, OMIM 310200.

Allele frequency attached by ClinVar (database versions not stated): gnomAD 0.00002 and 0.00001; TOPMed 0.00003; gnomAD exomes below 0.00001 and 0.00001.
gnomAD v4.1: 5 of 1,205,866 alleles (0.00041%); highest among the groups gnomAD compares: African/African-American, 0.0071%; no homozygotes.

Submission:

Labcorp Genetics (formerly Invitae), Labcorp
Classification: Uncertain significance for Duchenne muscular dystrophy. Last evaluated: 2025-11-09. Review status: criteria provided, single submitter. Criteria: Invitae Variant Classification Sherloc (09022015). Collection method: clinical testing. Allele origin: germline.
Comment: This sequence change replaces glutamic acid, which is acidic and polar, with aspartic acid, which is acidic and polar, at codon 477 of the DMD protein (p.Glu477Asp). This variant is present in population databases (no rsID available, gnomAD 0.008%). This variant has not been reported in the literature in individuals affected with DMD-related conditions. ClinVar contains an entry for this variant (Variation ID: 1409330). Invitae Evidence Modeling of protein sequence and biophysical properties (such as structural, functional, and spatial information, amino acid conservation, physicochemical variation, residue mobility, and thermodynamic stability) indicates that this missense variant is not expected to disrupt DMD protein function with a negative predictive value of 95%. In summary, the available evidence is currently insufficient to determine the role of this variant in disease. Therefore, it has been classified as a Variant of Uncertain Significance.

NM_004006.3(DMD):c.1431G>T (p.Glu477Asp)

Gene: DMD (dystrophin; minus strand). Cytogenetic location: Xp21.1.
Variant type: single nucleotide variant.
Coding change: c.1431G>T on transcript NM_004006.3 (MANE Select); coding-DNA position 1431, G replaced by T.
Protein change: p.Glu477Asp; replaces glutamic acid 477 with aspartic acid.
Molecular consequence: missense variant.
Genome position (GRCh38, 1-based): chrX:32,614,354, C>A on the plus strand (G>T on the coding strand, the complement: DMD is on the minus strand). VCF-style: chrX-32614354-C-A. GRCh37 (hg19) VCF-style: chrX-32632471-C-A.
Other names: c.1407G>T, p.Glu469Asp (NM_000109.4); c.1419G>T, p.Glu473Asp (NM_004009.3); c.1062G>T, p.Glu354Asp (NM_004010.3); short protein forms E469D, E354D, E477D, E473D.
Identifiers: ClinVar variation 1409330 (VCV001409330.6), dbSNP rs1003165905, ClinGen allele CA328539625.